The following is an entry in ClinVar:

NM_001267550.2(TTN):c.66450T>G (p.Ala22150=)

Genes: TTN (titin; minus strand), TTN-AS1 (TTN antisense RNA 1; plus strand). Cytogenetic location: 2q31.2.
Variant type: single nucleotide variant.
Coding change: c.66450T>G on transcript NM_001267550.2 (MANE Select); coding-DNA position 66450, T replaced by G.
Protein change: p.Ala22150=; no amino-acid change (alanine 22150 retained).
Molecular consequence: synonymous variant.
Genome position (GRCh38, 1-based): chr2:178,581,919, A>C on the plus strand (T>G on the coding strand, the complement: TTN is on the minus strand). VCF-style: chr2-178581919-A-C. GRCh37 (hg19) VCF-style: chr2-179446646-A-C.
Other names: c.58746T>G, p.Ala19582= (NM_133378.4); c.61527T>G, p.Ala20509= (NM_001256850.1); c.39255T>G, p.Ala13085= (NM_003319.4); c.39630T>G, p.Ala13210= (NM_133432.3); c.39831T>G, p.Ala13277= (NM_133437.4).
Identifiers: ClinVar variation 179120 (VCV000179120.16), dbSNP rs727504643, ClinGen allele CA183772.

ClinVar aggregate classification (germline): Likely benign. Review status: criteria provided, multiple submitters, no conflicts (2 of 4 stars). 3 submissions from 3 submitters: Likely benign (3). Last evaluated 2025-03-25.

Conditions:
Cardiovascular phenotype. Identifiers: MedGen CN230736.
Dilated cardiomyopathy 1G (CMD1G). Identifiers: Orphanet 154, MedGen C1858763, MONDO:0011400, OMIM 604145.
Autosomal recessive limb-girdle muscular dystrophy type 2J (LGMDR10). Also called: Limb-girdle muscular dystrophy, type 2J; MUSCULAR DYSTROPHY, LIMB-GIRDLE, AUTOSOMAL RECESSIVE 10. Identifiers: Orphanet 140922, MedGen C1837342, MONDO:0012127, OMIM 608807.

Allele frequency attached by ClinVar (database versions not stated): ExAC 0.00001; gnomAD 0.00001; gnomAD exomes 0.00001; TOPMed 0.00001.

Submissions (3):

Labcorp Genetics (formerly Invitae), Labcorp
Classification: Likely benign for Dilated cardiomyopathy 1G; Autosomal recessive limb-girdle muscular dystrophy type 2J. Last evaluated: 2025-03-25. Review status: criteria provided, single submitter. Criteria: Invitae Variant Classification Sherloc (09022015). Collection method: clinical testing. Allele origin: germline.

Ambry Genetics
Classification: Likely benign for Cardiovascular phenotype. Last evaluated: 2019-11-21. Review status: criteria provided, single submitter. Criteria: Ambry Variant Classification Scheme 2023. Collection method: clinical testing. Allele origin: germline.

Laboratory for Molecular Medicine, Mass General Brigham Personalized Medicine
Classification: Likely benign. Last evaluated: 2013-07-17. Review status: criteria provided, single submitter. Criteria: LMM Criteria. Collection method: clinical testing. Allele origin: germline. Observed: 1 variant allele.
Comment: The Ala19582Ala variant in exon 264 of TTN: This variant is not expected to have clinical significance because it does not alter an amino acid residue and is no t located within the splice consensus sequence. Ala19582Ala in exon 264 of TTN (allele frequency = n/a)